The following is an entry in ClinVar:

NM_001365951.3(KIF1B):c.2996A>G (p.Lys999Arg)

Gene: KIF1B (kinesin family member 1B; plus strand). Cytogenetic location: 1p36.22.
Variant type: single nucleotide variant.
Coding change: c.2996A>G on transcript NM_001365951.3 (MANE Select); coding-DNA position 2996, A replaced by G.
Protein change: p.Lys999Arg; replaces lysine 999 with arginine.
Molecular consequence: missense variant.
Genome position (GRCh38, 1-based): chr1:10,334,591, A>G. VCF-style: chr1-10334591-A-G. GRCh37 (hg19) VCF-style: chr1-10394649-A-G.
Other names: c.2996A>G, p.Lys999Arg (NM_001365952.1); c.2858A>G, p.Lys953Arg (NM_015074.3); short protein forms K953R, K999R.
Identifiers: ClinVar variation 3288428 (VCV003288428.1).
Genomic context (GRCh38, chr1:10,334,591, plus strand): 5'-ACCTGAGCAATCTGCTGTATCCCGTGCCCCTGATCCACAGGGTGGCCATCGTCAGTGAGA[A>G]AGGTGAAGTGCGGGGATTTCTGCGTGTGGCTGTACAGGCCATCGCAGGTAGGTGACCCTC-3'
Protein context (NP_001352880.1, residues 989-1009): LIHRVAIVSE[Lys999Arg]GEVRGFLRVA

ClinVar aggregate classification (germline): Uncertain significance (1 of 4 stars; one submission).

Submission:

Ambry Genetics
Classification: Uncertain significance. Last evaluated: 2024-04-26. Review status: criteria provided, single submitter. Criteria: Ambry Variant Classification Scheme 2023. Collection method: clinical testing. Allele origin: germline.
Comment: The p.K953R variant (also known as c.2858A>G), located in coding exon 25 of the KIF1B gene, results from an A to G substitution at nucleotide position 2858. The lysine at codon 953 is replaced by arginine, an amino acid with highly similar properties. This amino acid position is conserved. In addition, this alteration is predicted to be tolerated by in silico analysis. Based on the available evidence, the clinical significance of this variant remains unclear.